The following is an entry in ClinVar:

NM_003809.3(TNFSF12):c.400G>A (p.Glu134Lys)

Genes: TNFSF12 (TNF superfamily member 12; plus strand), TNFSF12-TNFSF13 (TNFSF12-TNFSF13 readthrough; plus strand). Cytogenetic location: 17p13.1.
Variant type: single nucleotide variant.
Coding change: c.400G>A on transcript NM_003809.3 (MANE Select); coding-DNA position 400, G replaced by A.
Protein change: p.Glu134Lys; replaces glutamic acid 134 with lysine.
Molecular consequence: missense variant. On other transcripts: non-coding transcript variant (1).
Genome position (GRCh38, 1-based): chr17:7,556,804, G>A. VCF-style: chr17-7556804-G-A. GRCh37 (hg19) VCF-style: chr17-7460121-G-A.
Other names: c.400G>A, p.Glu134Lys (NM_172089.4); short protein forms E134K.
Identifiers: ClinVar variation 3671737 (VCV003671737.2).

ClinVar aggregate classification (germline): Uncertain significance (1 of 4 stars; one submission).

Conditions:
Common variable immunodeficiency (CVID). Also called: Common variable hypogamma-globulinemia; Common variable agammaglobulinemia. Identifiers: Orphanet 1572, MedGen C0009447, MONDO:0015517.

gnomAD v4.1: 1 of 1,546,342 alleles (0.000065%); highest among the groups gnomAD compares: East Asian, 0.0023%; no homozygotes.

Submission:

Labcorp Genetics (formerly Invitae), Labcorp
Classification: Uncertain significance for Common variable immunodeficiency. Last evaluated: 2024-08-12. Review status: criteria provided, single submitter. Criteria: Invitae Variant Classification Sherloc (09022015). Collection method: clinical testing. Allele origin: germline.
Comment: This sequence change replaces glutamic acid, which is acidic and polar, with lysine, which is basic and polar, at codon 134 of the TNFSF12 protein (p.Glu134Lys). The frequency data for this variant in the population databases is considered unreliable, as metrics indicate poor data quality at this position in the gnomAD database. This variant has not been reported in the literature in individuals affected with TNFSF12-related conditions. An algorithm developed to predict the effect of missense changes on protein structure and function (PolyPhen-2) suggests that this variant is likely to be disruptive. In summary, the available evidence is currently insufficient to determine the role of this variant in disease. Therefore, it has been classified as a Variant of Uncertain Significance.